The following is an entry in ClinVar:

ClinVar aggregate classification (germline): Uncertain significance (1 of 4 stars; one submission).

Conditions:
Familial cancer of breast. Also called: hereditary breast carcinoma; Hereditary breast cancer; BREAST CANCER, FAMILIAL. Identifiers: Orphanet 227535, MedGen C0346153, MONDO:0016419, OMIM 114480. Disease mechanism: loss of function.

Submission:

Labcorp Genetics (formerly Invitae), Labcorp
Classification: Uncertain significance for Familial cancer of breast. Last evaluated: 2022-03-26. Review status: criteria provided, single submitter. Criteria: Invitae Variant Classification Sherloc (09022015). Collection method: clinical testing. Allele origin: germline.
Comment: In summary, the available evidence is currently insufficient to determine the role of this variant in disease. Therefore, it has been classified as a Variant of Uncertain Significance. This sequence change falls in intron 9 of the PALB2 gene. It does not directly change the encoded amino acid sequence of the PALB2 protein. It affects a nucleotide within the consensus splice site. This variant is not present in population databases (gnomAD no frequency). This variant has not been reported in the literature in individuals affected with PALB2-related conditions. ClinVar contains an entry for this variant (Variation ID: 847928). Variants that disrupt the consensus splice site are a relatively common cause of aberrant splicing (PMID: 17576681, 9536098). Algorithms developed to predict the effect of sequence changes on RNA splicing suggest that this variant may disrupt the consensus splice site.

Literature cited by the submitters: PubMed 17576681; PubMed 9536098.

NM_024675.4(PALB2):c.2997-3C>G

Gene: PALB2 (partner and localizer of BRCA2; minus strand). Cytogenetic location: 16p12.2.
Variant type: single nucleotide variant.
Coding change: c.2997-3C>G on transcript NM_024675.4 (MANE Select); 3 bases into the intron before coding-DNA position 2997, C replaced by G.
Molecular consequence: intron variant.
Genome position (GRCh38, 1-based): chr16:23,621,481, G>C on the plus strand (C>G on the coding strand, the complement: PALB2 is on the minus strand). VCF-style: chr16-23621481-G-C. GRCh37 (hg19) VCF-style: chr16-23632802-G-C.
Identifiers: ClinVar variation 847928 (VCV000847928.12), dbSNP rs1966773531, ClinGen allele CA916081811.